The following is an entry in ClinVar:

ClinVar aggregate classification (germline): Likely pathogenic (1 of 4 stars; one submission).

Conditions:
Hereditary cancer-predisposing syndrome. Also called: Neoplastic Syndromes, Hereditary; Tumor predisposition; Hereditary Cancer Syndrome; Hereditary neoplastic syndrome. Identifiers: Orphanet 140162, MedGen C0027672, MeSH D009386, MONDO:0015356.

Submission:

Color Diagnostics, LLC DBA Color Health
Classification: Likely pathogenic for Hereditary cancer-predisposing syndrome. Last evaluated: 2020-01-07. Review status: criteria provided, single submitter. Criteria: ACMG Guidelines, 2015. Collection method: clinical testing. Allele origin: germline.
Comment: This variant causes an A>G nucleotide substitution at the -2 position of intron 37 of the ATM gene. This variant is predicted to disrupt the intron 37 splice acceptor site. There are also alternative AG dinucleotides in the adjacent exon 38 that may be used for splicing, creating aberrant mRNA transcripts with possible frameshift and in-frame impacts. To our knowledge, functional and RNA studies have not been performed for this variant nor has this variant been reported in individuals affected with hereditary cancer in the literature. This variant has not been identified in the general population by the Genome Aggregation Database (gnomAD). Loss of ATM function is a known mechanism of disease. Based on the available evidence, this variant is classified as Likely Pathogenic.

NM_000051.4(ATM):c.5675-2A>G

Gene: ATM (ATM serine/threonine kinase; plus strand). Cytogenetic location: 11q22.3.
Variant type: single nucleotide variant.
Coding change: c.5675-2A>G on transcript NM_000051.4 (MANE Select); the canonical splice acceptor site of the intron before coding-DNA position 5675, A replaced by G.
Molecular consequence: splice acceptor variant.
Genome position (GRCh38, 1-based): chr11:108,307,895, A>G. VCF-style: chr11-108307895-A-G. GRCh37 (hg19) VCF-style: chr11-108178622-A-G.
Other names: c.5675-2A>G (NM_001351834.2).
Identifiers: ClinVar variation 921544 (VCV000921544.3), dbSNP rs2083814855, ClinGen allele CA382547695.